The following is an entry in ClinVar:

ClinVar aggregate classification (germline): Uncertain significance (1 of 4 stars; one submission).

Conditions:
Primary ciliary dyskinesia. Also called: Ciliary dyskinesia. Identifiers: Orphanet 244, MedGen C0008780, MONDO:0016575, HP:0012265.

gnomAD v4.1: 8 of 1,613,440 alleles (0.0005%); highest among the groups gnomAD compares: Non-Finnish European, 0.00068%; no homozygotes.

Submission:

Labcorp Genetics (formerly Invitae), Labcorp
Classification: Uncertain significance for Primary ciliary dyskinesia. Last evaluated: 2024-03-10. Review status: criteria provided, single submitter. Criteria: Invitae Variant Classification Sherloc (09022015). Collection method: clinical testing. Allele origin: germline.
Comment: This sequence change falls in intron 42 of the DNAH5 gene. It does not directly change the encoded amino acid sequence of the DNAH5 protein. It affects a nucleotide within the consensus splice site. This variant is not present in population databases (gnomAD no frequency). This variant has not been reported in the literature in individuals affected with DNAH5-related conditions. Variants that disrupt the consensus splice site are a relatively common cause of aberrant splicing (PMID: 17576681, 9536098). Algorithms developed to predict the effect of sequence changes on RNA splicing suggest that this variant is not likely to affect RNA splicing. In summary, the available evidence is currently insufficient to determine the role of this variant in disease. Therefore, it has been classified as a Variant of Uncertain Significance.

Literature cited by the submitters: PubMed 17576681; PubMed 9536098.

NM_001369.3(DNAH5):c.6989-3T>C

Gene: DNAH5 (dynein axonemal heavy chain 5; minus strand). Cytogenetic location: 5p15.2.
Variant type: single nucleotide variant.
Coding change: c.6989-3T>C on transcript NM_001369.3 (MANE Select); 3 bases into the intron before coding-DNA position 6989, T replaced by C.
Molecular consequence: intron variant.
Genome position (GRCh38, 1-based): chr5:13,814,849, A>G on the plus strand (T>C on the coding strand, the complement: DNAH5 is on the minus strand). VCF-style: chr5-13814849-A-G. GRCh37 (hg19) VCF-style: chr5-13814958-A-G.
Identifiers: ClinVar variation 3677810 (VCV003677810.2).